The following is an entry in ClinVar:

ClinVar aggregate classification (germline): Pathogenic. Review status: criteria provided, multiple submitters, no conflicts (2 of 4 stars). 4 submissions from 4 submitters: Pathogenic (4). Last evaluated 2025-01-27.

Conditions:
Familial cancer of breast. Also called: BREAST CANCER, FAMILIAL; Hereditary breast cancer; hereditary breast carcinoma. Identifiers: Orphanet 227535, MedGen C0346153, MONDO:0016419, OMIM 114480. Disease mechanism: loss of function.
Hereditary cancer-predisposing syndrome. Also called: Neoplastic Syndromes, Hereditary; Hereditary Cancer Syndrome; Tumor predisposition; Hereditary neoplastic syndrome. Identifiers: Orphanet 140162, MedGen C0027672, MeSH D009386, MONDO:0015356.

Submissions (4):

Labcorp Genetics (formerly Invitae), Labcorp
Classification: Pathogenic for Familial cancer of breast. Last evaluated: 2025-01-27. Review status: criteria provided, single submitter. Criteria: Invitae Variant Classification Sherloc (09022015). Collection method: clinical testing. Allele origin: germline.
Comment: This sequence change creates a premature translational stop signal (p.Leu698Phefs*11) in the PALB2 gene. It is expected to result in an absent or disrupted protein product. Loss-of-function variants in PALB2 are known to be pathogenic (PMID: 17200668, 17200671, 17200672, 24136930, 25099575). This variant is not present in population databases (gnomAD no frequency). This premature translational stop signal has been observed in individual(s) with malignant mesothelioma (PMID: 30975761). ClinVar contains an entry for this variant (Variation ID: 402296). For these reasons, this variant has been classified as Pathogenic.

Myriad Genetics, Inc.
Classification: Pathogenic for Familial cancer of breast. Last evaluated: 2023-09-12. Review status: criteria provided, single submitter. Criteria: Myriad Autosomal Dominant, Autosomal Recessive and X-Linked Classification Criteria (2023). Collection method: clinical testing. Allele origin: unknown.
Comment: This variant is considered pathogenic. This variant creates a frameshift predicted to result in premature protein truncation.

Ambry Genetics
Classification: Pathogenic for Hereditary cancer-predisposing syndrome. Last evaluated: 2022-08-11. Review status: criteria provided, single submitter. Criteria: Ambry Variant Classification Scheme 2023. Collection method: clinical testing. Allele origin: germline.
Comment: The c.2092delC pathogenic mutation, located in coding exon 5 of the PALB2 gene, results from a deletion of one nucleotide at nucleotide position 2092, causing a translational frameshift with a predicted alternate stop codon (p.L698Ffs*11). This variant is considered to be rare based on population cohorts in the Genome Aggregation Database (gnomAD). This alteration is expected to result in loss of function by premature protein truncation or nonsense-mediated mRNA decay. As such, this alteration is interpreted as a disease-causing mutation.

GeneDx
Classification: Pathogenic. Last evaluated: 2021-10-27. Review status: criteria provided, single submitter. Criteria: GeneDx Variant Classification Process June 2021. Collection method: clinical testing. Allele origin: germline. Affected: yes.
Comment: Frameshift variant predicted to result in protein truncation or nonsense mediated decay in a gene for which loss-of-function is a known mechanism of disease; Not observed at significant frequency in large population cohorts (Lek 2016); Observed in an individual with malignant mesothelioma (Hassan 2019); This variant is associated with the following publications: (PMID: 26681312, 30975761)

Literature cited by the submitters: PubMed 17200668 (cited by Labcorp Genetics (formerly Invitae), Labcorp); PubMed 17200671 (cited by Labcorp Genetics (formerly Invitae), Labcorp); PubMed 17200672 (cited by Labcorp Genetics (formerly Invitae), Labcorp); PubMed 24136930 (cited by Labcorp Genetics (formerly Invitae), Labcorp); PubMed 25099575 (cited by Labcorp Genetics (formerly Invitae), Labcorp); PubMed 30975761 (cited by Labcorp Genetics (formerly Invitae), Labcorp).

NM_024675.4(PALB2):c.2092del (p.Leu698fs)

Gene: PALB2 (partner and localizer of BRCA2; minus strand). Cytogenetic location: 16p12.2.
Variant type: Deletion.
Coding change: c.2092del on transcript NM_024675.4 (MANE Select); coding-DNA position 2092, one base deleted (C; older notation c.2092delC).
Protein change: p.Leu698fs; shifts the reading frame from leucine 698.
Molecular consequence: frameshift variant.
Genome position (GRCh38, 1-based): chr16:23,630,062, G deleted on the plus strand (C on the coding strand, the reverse complement: PALB2 is on the minus strand); the first of 2 consecutive G bases (chr16:23,630,062-23,630,063); deleting either gives the same sequence. VCF-style (leftmost placement, unchanged base first): chr16-23630061-AG-A. GRCh37 (hg19) VCF-style: chr16-23641382-AG-A.
Other names: c.2092delC (NM_024675.3); short protein forms L698fs.
Identifiers: ClinVar variation 402296 (VCV000402296.19), dbSNP rs1060499819, ClinGen allele CA16609596.
Genomic context (GRCh38, chr16:23,630,061, plus strand): 5'-CTGTCATTATCATCAGGCGCAACCGTATTTAAAGGAGTATAAAGTAATATGGATGAAGAA[AG>A]GCCCGTCTTTGTATGCTGGCTTTGCGAGTTTGGCCTTTTGGGATGTGATTTTCCTGGTAG-3'